The following is an entry in ClinVar:

NM_001323986.2(CTNNA1):c.1297-13393del

Gene: CTNNA1 (catenin alpha 1; plus strand). Cytogenetic location: 5q31.2.
Variant type: Deletion.
Coding change: c.1297-13393del on transcript NM_001323986.2; 13393 bases into the intron before coding-DNA position 1297, one base deleted (G; older notation c.1297-13393delG).
Molecular consequence: intron variant.
Genome position (GRCh38, 1-based): chr5:138,904,349, G deleted; the last of 2 consecutive G bases (chr5:138,904,348-138,904,349); deleting either gives the same sequence. VCF-style (leftmost placement, unchanged base first): chr5-138904347-AG-A. GRCh37 (hg19) VCF-style: chr5-138240036-AG-A.
Other names: c.187-13393del (NM_001324011.1); c.-60-13393del (NM_001324010.1).
Identifiers: ClinVar variation 3639822 (VCV003639822.2).
Genomic context (GRCh38, chr5:138,904,347, plus strand): 5'-TGTGTTTTTTCCTTAGCAGTCAAAAGAGAAAAATCTTTAAAGATTATTTTTTATGTTTAT[AG>A]GTTGCCAACTTGGCCTGTTCCATCTCAAATAATGAAGAAGGTGTAAAGCTTGTTCGAATG-3'

ClinVar aggregate classification (germline): Pathogenic (1 of 4 stars; one submission).

Submission:

Labcorp Genetics (formerly Invitae), Labcorp
Classification: Pathogenic. Last evaluated: 2024-02-09. Review status: criteria provided, single submitter. Criteria: Invitae Variant Classification Sherloc (09022015). Collection method: clinical testing. Allele origin: germline.
Comment: This sequence change creates a premature translational stop signal (p.Val433Leufs*15) in the CTNNA1 gene. It is expected to result in an absent or disrupted protein product. Loss-of-function variants in CTNNA1 are known to be pathogenic (PMID: 32051609, 34425242). This variant is not present in population databases (gnomAD no frequency). This variant has not been reported in the literature in individuals affected with CTNNA1-related conditions. Algorithms developed to predict the effect of sequence changes on RNA splicing suggest that this variant may disrupt the consensus splice site. For these reasons, this variant has been classified as Pathogenic.

Literature cited by the submitters: PubMed 32051609; PubMed 34425242.